The following is an entry in ClinVar:

ClinVar aggregate classification (germline): Uncertain significance. Review status: criteria provided, multiple submitters, no conflicts (2 of 4 stars). 2 submissions from 2 submitters: Uncertain significance (2). Last evaluated 2026-05-18.

Conditions:
SDCCAG8-related disorder. Also called: SDCCAG8-Related Disorders; SDCCAG8-related condition.
Inborn genetic diseases. Identifiers: MedGen C0950123, MeSH D030342.

Allele frequency attached by ClinVar (database versions not stated): gnomAD 0.00001; TOPMed 0.00001.
gnomAD v4.1: 1 of 1,613,650 alleles (0.000062%); highest among the groups gnomAD compares: African/African-American, 0.0013%; no homozygotes.

Submissions (2):

PreventionGenetics, part of Exact Sciences
Classification: Uncertain significance for SDCCAG8-related condition. Last evaluated: 2026-05-18. Review status: criteria provided, single submitter. Criteria: ACMG Guidelines, 2015. Collection method: clinical testing. Allele origin: germline.
Comment: The SDCCAG8 c.1631G>A variant is predicted to result in the amino acid substitution p.Ser544Asn. To our knowledge, this variant has not been reported in the literature. This variant is reported in 0.011% of alleles in individuals of African descent in gnomAD. At this time, the clinical significance of this variant is uncertain due to the absence of conclusive functional and genetic evidence.

Ambry Genetics
Classification: Uncertain significance for Inborn genetic diseases. Last evaluated: 2021-07-08. Review status: criteria provided, single submitter. Criteria: Ambry Variant Classification Scheme 2023. Collection method: clinical testing. Allele origin: germline.

NM_006642.5(SDCCAG8):c.1631G>A (p.Ser544Asn)

Gene: SDCCAG8 (SHH signaling and ciliogenesis regulator SDCCAG8; plus strand). Cytogenetic location: 1q43.
Variant type: single nucleotide variant.
Coding change: c.1631G>A on transcript NM_006642.5 (MANE Select); coding-DNA position 1631, G replaced by A.
Protein change: p.Ser544Asn; replaces serine 544 with asparagine.
Molecular consequence: missense variant.
Genome position (GRCh38, 1-based): chr1:243,415,716, G>A. VCF-style: chr1-243415716-G-A. GRCh37 (hg19) VCF-style: chr1-243579018-G-A.
Other names: c.728G>A, p.Ser243Asn (NM_001350246.2, NM_001350247.2, NM_001350251.2); c.1727G>A, p.Ser576Asn (NM_001350248.2); c.1337G>A, p.Ser446Asn (NM_001350249.2); short protein forms S544N, S243N, S576N, S446N.
Identifiers: ClinVar variation 2232091 (VCV002232091.3), dbSNP rs1053242816, ClinGen allele CA41008619.